The following is an entry in ClinVar:

NM_000465.4(BARD1):c.1076T>C (p.Leu359Ser)

Gene: BARD1 (BRCA1 associated RING domain 1; minus strand). Cytogenetic location: 2q35.
Variant type: single nucleotide variant.
Coding change: c.1076T>C on transcript NM_000465.4 (MANE Select); coding-DNA position 1076, T replaced by C.
Protein change: p.Leu359Ser; replaces leucine 359 with serine.
Molecular consequence: missense variant. On other transcripts: non-coding transcript variant (2), intron variant (3).
Genome position (GRCh38, 1-based): chr2:214,780,798, A>G on the plus strand (T>C on the coding strand, the complement: BARD1 is on the minus strand). VCF-style: chr2-214780798-A-G. GRCh37 (hg19) VCF-style: chr2-215645522-A-G.
Other names: c.1019T>C, p.Leu340Ser (NM_001282543.2); c.159-28243T>C (NM_001282548.2); c.215+16263T>C (NM_001282545.2); c.364+11499T>C (NM_001282549.2); c.1076T>C (NM_000465.2); short protein forms L359S, L340S.
Identifiers: ClinVar variation 579247 (VCV000579247.15), dbSNP rs745669714, ClinGen allele CA2090341.

ClinVar aggregate classification (germline): Uncertain significance. Review status: criteria provided, multiple submitters, no conflicts (2 of 4 stars). 4 submissions from 4 submitters: Uncertain significance (4). Last evaluated 2025-11-19.

Conditions:
Familial cancer of breast. Also called: BREAST CANCER, FAMILIAL; hereditary breast carcinoma; Hereditary breast cancer. Identifiers: Orphanet 227535, MedGen C0346153, MONDO:0016419, OMIM 114480. Disease mechanism: loss of function.
Hereditary cancer-predisposing syndrome. Also called: Neoplastic Syndromes, Hereditary; Tumor predisposition; Hereditary neoplastic syndrome; Hereditary Cancer Syndrome. Identifiers: Orphanet 140162, MedGen C0027672, MeSH D009386, MONDO:0015356.

Allele frequency attached by ClinVar (database versions not stated): gnomAD exomes below 0.00001 and 0.00001; ExAC 0.00002.
gnomAD v4.1: 4 of 1,541,458 alleles (0.00026%); highest among the groups gnomAD compares: South Asian, 0.0038%; no homozygotes.

Submissions (4):

Labcorp Genetics (formerly Invitae), Labcorp
Classification: Uncertain significance for Familial cancer of breast. Last evaluated: 2025-11-19. Review status: criteria provided, single submitter. Criteria: Invitae Variant Classification Sherloc (09022015). Collection method: clinical testing. Allele origin: germline.
Comment: This sequence change replaces leucine, which is neutral and non-polar, with serine, which is neutral and polar, at codon 359 of the BARD1 protein (p.Leu359Ser). This variant is present in population databases (rs745669714, gnomAD 0.006%). This variant has not been reported in the literature in individuals affected with BARD1-related conditions. ClinVar contains an entry for this variant (Variation ID: 579247). An algorithm developed to predict the effect of missense changes on protein structure and function outputs the following: PolyPhen-2: "Benign". The serine amino acid residue is found in multiple mammalian species, which suggests that this missense change does not adversely affect protein function. In summary, the available evidence is currently insufficient to determine the role of this variant in disease. Therefore, it has been classified as a Variant of Uncertain Significance.

Ambry Genetics
Classification: Uncertain significance for Hereditary cancer-predisposing syndrome. Last evaluated: 2025-11-08. Review status: criteria provided, single submitter. Criteria: Ambry Variant Classification Scheme 2023. Collection method: clinical testing. Allele origin: germline.
Comment: The p.L359S variant (also known as c.1076T>C), located in coding exon 4 of the BARD1 gene, results from a T to C substitution at nucleotide position 1076. The leucine at codon 359 is replaced by serine, an amino acid with dissimilar properties. This amino acid position is conserved. In addition, this alteration is predicted to be tolerated by in silico analysis. Since supporting evidence is limited at this time, the clinical significance of this alteration remains unclear.

Color Diagnostics, LLC DBA Color Health
Classification: Uncertain significance for Hereditary cancer-predisposing syndrome. Last evaluated: 2023-12-04. Review status: criteria provided, single submitter. Criteria: ACMG Guidelines, 2015. Collection method: clinical testing. Allele origin: germline.
Comment: This missense variant replaces leucine with serine at codon 359 of the BARD1 protein. Computational prediction suggests that this variant may not impact protein structure and function (internally defined REVEL score threshold <= 0.5, PMID: 27666373). To our knowledge, functional studies have not been reported for this variant. This variant has not been reported in individuals affected with BARD1-related disorders in the literature. This variant has been identified in 2/251286 chromosomes in the general population by the Genome Aggregation Database (gnomAD). The available evidence is insufficient to determine the role of this variant in disease conclusively. Therefore, this variant is classified as a Variant of Uncertain Significance.

Department of Pathology and Laboratory Medicine, Sinai Health System
Classification: Uncertain significance for Familial cancer of breast. Last evaluated: 2022-04-14. Review status: criteria provided, single submitter. Criteria: ACMG Guidelines, 2015. Collection method: clinical testing. Allele origin: germline. Affected: yes.